The following is an entry in ClinVar:

ClinVar aggregate classification (germline): Uncertain significance (1 of 4 stars; one submission).

Submission:

Labcorp Genetics (formerly Invitae), Labcorp
Classification: Uncertain significance. Last evaluated: 2025-07-07. Review status: criteria provided, single submitter. Criteria: Invitae Variant Classification Sherloc (09022015). Collection method: clinical testing. Allele origin: germline.
Comment: This sequence change replaces aspartic acid, which is acidic and polar, with alanine, which is neutral and non-polar, at codon 462 of the MME protein (p.Asp462Ala). This variant is not present in population databases (gnomAD no frequency). This variant has not been reported in the literature in individuals affected with MME-related conditions. ClinVar contains an entry for this variant (Variation ID: 1519918). Invitae Evidence Modeling of protein sequence and biophysical properties (such as structural, functional, and spatial information, amino acid conservation, physicochemical variation, residue mobility, and thermodynamic stability) has been performed for this missense variant. However, the output from this modeling did not meet the statistical confidence thresholds required to predict the impact of this variant on MME protein function. In summary, the available evidence is currently insufficient to determine the role of this variant in disease. Therefore, it has been classified as a Variant of Uncertain Significance.

NM_007289.4(MME):c.1385A>C (p.Asp462Ala)

Gene: MME (membrane metalloendopeptidase; plus strand). Cytogenetic location: 3q25.2.
Variant type: single nucleotide variant.
Coding change: c.1385A>C on transcript NM_007289.4 (MANE Select); coding-DNA position 1385, A replaced by C.
Protein change: p.Asp462Ala; replaces aspartic acid 462 with alanine.
Molecular consequence: missense variant.
Genome position (GRCh38, 1-based): chr3:155,144,426, A>C. VCF-style: chr3-155144426-A-C. GRCh37 (hg19) VCF-style: chr3-154862215-A-C.
Other names: c.1385A>C, p.Asp462Ala (NM_000902.5, NM_001354642.2, NM_001354643.1 and 2 more transcripts); short protein forms D462A.
Identifiers: ClinVar variation 1519918 (VCV001519918.8), dbSNP rs2108317081, ClinGen allele CA355130692.